The following is an entry in ClinVar:

NM_032888.4(COL27A1):c.4058A>C (p.Asp1353Ala)

Genes: COL27A1 (collagen type XXVII alpha 1 chain; plus strand), LOC126860736 (MED14-independent group 3 enhancer GRCh37_chr9:117050487-117051686; plus strand). Cytogenetic location: 9q32.
Variant type: single nucleotide variant.
Coding change: c.4058A>C on transcript NM_032888.4 (MANE Select); coding-DNA position 4058, A replaced by C.
Protein change: p.Asp1353Ala; replaces aspartic acid 1353 with alanine.
Molecular consequence: missense variant.
Genome position (GRCh38, 1-based): chr9:114,288,715, A>C. VCF-style: chr9-114288715-A-C. GRCh37 (hg19) VCF-style: chr9-117050995-A-C.
Other names: short protein forms D1353A.
Identifiers: ClinVar variation 3715858 (VCV003715858.2).

ClinVar aggregate classification (germline): Uncertain significance (1 of 4 stars; one submission).

gnomAD v4.1: 2 of 1,610,546 alleles (0.00012%); highest among the groups gnomAD compares: Admixed American, 0.0033%; no homozygotes.

Submission:

Labcorp Genetics (formerly Invitae), Labcorp
Classification: Uncertain significance. Last evaluated: 2024-10-10. Review status: criteria provided, single submitter. Criteria: Invitae Variant Classification Sherloc (09022015). Collection method: clinical testing. Allele origin: germline.
Comment: This sequence change replaces aspartic acid, which is acidic and polar, with alanine, which is neutral and non-polar, at codon 1353 of the COL27A1 protein (p.Asp1353Ala). This variant is present in population databases (rs756055187, gnomAD 0.003%). This variant has not been reported in the literature in individuals affected with COL27A1-related conditions. Invitae Evidence Modeling of protein sequence and biophysical properties (such as structural, functional, and spatial information, amino acid conservation, physicochemical variation, residue mobility, and thermodynamic stability) indicates that this missense variant is not expected to disrupt COL27A1 protein function with a negative predictive value of 80%. In summary, the available evidence is currently insufficient to determine the role of this variant in disease. Therefore, it has been classified as a Variant of Uncertain Significance.